The following is an entry in ClinVar:

ClinVar aggregate classification (germline): Conflicting classifications of pathogenicity. Review status: criteria provided, conflicting classifications (1 of 4 stars). 7 submissions from 7 submitters: Pathogenic (2); Likely pathogenic (4); Uncertain significance (1). Last evaluated 2026-04-14.

Conditions:
Progressive familial intrahepatic cholestasis (PFIC). Also called: Progressive intrahepatic cholestasis; Progressive family intrahepatic cholestasis. Identifiers: Orphanet 172, MedGen C0268312, MONDO:0015762.
Cholestasis, intrahepatic, of pregnancy, 3. Identifiers: Orphanet 69665, MedGen C3554241, MONDO:0013995, OMIM 614972.
Progressive familial intrahepatic cholestasis type 3. Also called: MDR3 DEFICIENCY; Low Gamma-GT Familial Intrahepatic Cholestasis. Identifiers: Orphanet 79305, MedGen C1865643, MONDO:0011214, OMIM 602347.
Familial intrahepatic cholestasis. Identifiers: Orphanet 284385, MedGen CN296401, MONDO:0017290.

Allele frequency attached by ClinVar (database versions not stated): gnomAD exomes 0.00001; TOPMed below 0.00001; ExAC 0.00001.
gnomAD v4.1: 11 of 1,613,830 alleles (0.00068%); highest among the groups gnomAD compares: African/African-American, 0.0013%; no homozygotes.

Submissions (7):

Genomenon, Inc
Classification: Likely pathogenic for Familial intrahepatic cholestasis. Last evaluated: 2026-04-14. Review status: criteria provided, single submitter. Criteria: Genomenon Sequence Variant Interpretation Standards - Updated. Collection method: curation. Allele origin: germline. Affected: yes.
Comment: ABCB4 p.Gly954Ser (c.2860G>A) is a missense variant that changes the amino acid at residue 954 from Glycine to Serine. This variant has been observed in at least one proband with an ABCB4-related disorder (PMID:37701337;37697751;29761167). The variant was found to segregate with disease in at least one affected family (PMID:29761167). Functional studies have been reported (PMID:26474921). It is absent or not present at a significant frequency in gnomAD. In silico models predict that this variant is possibly or probably damaging. In conclusion, we classify ABCB4 p.Gly954Ser (c.2860G>A) as a likely pathogenic variant.

Labcorp Genetics (formerly Invitae), Labcorp
Classification: Pathogenic. Last evaluated: 2025-10-13. Review status: criteria provided, single submitter. Criteria: Invitae Variant Classification Sherloc (09022015). Collection method: clinical testing. Allele origin: germline.
Comment: This sequence change replaces glycine, which is neutral and non-polar, with serine, which is neutral and polar, at codon 954 of the ABCB4 protein (p.Gly954Ser). This variant is present in population databases (rs779829759, gnomAD 0.002%). This missense change has been observed in individuals with autosomal recessive progressive familial intrahepatic cholestasis type 3 and/or clinical features of ABCB4-related conditions (PMID: 17726488, 29761167, 33763395, 34016879, 37701337). ClinVar contains an entry for this variant (Variation ID: 2136551). Invitae Evidence Modeling of protein sequence and biophysical properties (such as structural, functional, and spatial information, amino acid conservation, physicochemical variation, residue mobility, and thermodynamic stability) indicates that this missense variant is not expected to disrupt ABCB4 protein function with a negative predictive value of 80%. Experimental studies are conflicting or provide insufficient evidence to determine the effect of this variant on ABCB4 function (PMID: 26474921). Algorithms developed to predict the effect of sequence changes on RNA splicing suggest that this variant may disrupt the consensus splice site. For these reasons, this variant has been classified as Pathogenic.

Women's Health and Genetics/Laboratory Corporation of America, LabCorp
Classification: Likely pathogenic for Progressive familial intrahepatic cholestasis. Last evaluated: 2025-05-20. Review status: criteria provided, single submitter. Criteria: LabCorp Variant Classification Summary - May 2015. Collection method: clinical testing. Allele origin: germline.
Comment: Variant summary: ABCB4 c.2860G>A (p.Gly954Ser) results in a non-conservative amino acid change in the encoded protein sequence. Algorithms developed to predict the effect of missense changes on protein structure and function all suggest that this variant is likely to be disruptive. The variant allele was found at a frequency of 4e-06 in 251020 control chromosomes. c.2860G>A has been observed in compound heterozygous or homozygous individuals affected with Familial Intrahepatic Cholestasis (Degiorgio_2007, Delaunay_2016, herel_2021, Almes_2022, Wang_2024). These data indicate that the variant is likely to be associated with disease. At least one publication reports experimental evidence evaluating an impact on protein function. The most pronounced variant effect results in about 60% of normal protein activity in an in vitro assay (Delaunay_2016). The following publications have been ascertained in the context of this evaluation (PMID: 35626323, 17726488, 26474921, 33763395, 34016879, 39521930). ClinVar contains an entry for this variant (Variation ID: 2136551). Based on the evidence outlined above, the variant was classified as likely pathogenic.

Revvity Omics, Revvity
Classification: Uncertain significance. Last evaluated: 2023-11-22. Review status: criteria provided, single submitter. Criteria: ACMG Guidelines, 2015. Collection method: clinical testing. Allele origin: germline.

Neuberg Centre For Genomic Medicine, NCGM
Classification: Likely pathogenic for Cholestasis, intrahepatic, of pregnancy, 3. Last evaluated: 2023-06-22. Review status: criteria provided, single submitter. Criteria: ACMG Guidelines, 2015. Collection method: clinical testing. Allele origin: germline. Inheritance: Autosomal dominant inheritance. Affected: yes.
Comment: The missense c.2860G>A(p.Gly954Ser) variant in ABCB4 gene has been reported previously in individuals affected with progressive familial intrahepatic cholestasis (Fang Y, et al., 2021; Schatz SB, et al., 2018; Degiorgio D, et al., 2007). The p.Gly954Ser variant is present with allele frequency of 0.0004% in gnomAD Exomes. This variant has been submitted to the ClinVar database as Uncertain Significance / Likely Pathogenic. Multiple lines of computational evidences (Polyphen - Possibly damaging, SIFT - Damaging and MutationTaster - Disease causing) predict a damaging effect on protein structure and function for this variant. The reference amino acid at this position on ABCB4 gene is predicted as conserved by GERP++ and PhyloP across 100 vertebrates. The amino acid Gly at position 954 is changed to a Ser changing protein sequence and it might alter its composition and physico-chemical properties. The current experimental studies of this variant are conflicting or provide insufficient evidence to determine the effect of this variant on ABCB4 function (Delaunay JL, et al., 2016). For these reasons, this variant has been classified as Likely Pathogenic.

CeGaT Center for Human Genetics Tuebingen
Classification: Likely pathogenic. Last evaluated: 2023-05-01. Review status: criteria provided, single submitter. Criteria: CeGaT Center For Human Genetics Tuebingen Variant Classification Criteria Version 2. Collection method: clinical testing. Allele origin: germline. Affected: yes. Observed: 1 variant allele.
Comment: ABCB4: PM2, PM3, PP4, PS3:Supporting

Rolfs Rare Disease Consulting, Rolfs Consulting Und Verwaltungs GmbH
Classification: Pathogenic for Progressive familial intrahepatic cholestasis type 3. Last evaluated: 2020-01-01. Review status: criteria provided, single submitter. Criteria: ACMG Guidelines, 2015. Collection method: clinical testing. Allele origin: germline. Affected: yes.

Literature cited by the submitters: PubMed 37701337 (cited by Genomenon, Inc and Labcorp Genetics (formerly Invitae), Labcorp); PubMed 37697751 (cited by Genomenon, Inc); PubMed 29761167 (cited by Genomenon, Inc and Labcorp Genetics (formerly Invitae), Labcorp); PubMed 26474921 (cited by 3 submitters); PubMed 17726488 (cited by Labcorp Genetics (formerly Invitae), Labcorp and Women's Health and Genetics/Laboratory Corporation of America, LabCorp); PubMed 33763395 (cited by Labcorp Genetics (formerly Invitae), Labcorp and Women's Health and Genetics/Laboratory Corporation of America, LabCorp); PubMed 34016879 (cited by Labcorp Genetics (formerly Invitae), Labcorp and Women's Health and Genetics/Laboratory Corporation of America, LabCorp); PubMed 35626323 (cited by Women's Health and Genetics/Laboratory Corporation of America, LabCorp); PubMed 39521930 (cited by Women's Health and Genetics/Laboratory Corporation of America, LabCorp).

NM_000443.4(ABCB4):c.2860G>A (p.Gly954Ser)

Gene: ABCB4 (ATP binding cassette subfamily B member 4; minus strand). Cytogenetic location: 7q21.12.
Variant type: single nucleotide variant.
Coding change: c.2860G>A on transcript NM_000443.4 (MANE Select); coding-DNA position 2860, G replaced by A.
Protein change: p.Gly954Ser; replaces glycine 954 with serine.
Molecular consequence: missense variant. On other transcripts: intron variant (1).
Genome position (GRCh38, 1-based): chr7:87,411,957, C>T on the plus strand (G>A on the coding strand, the complement: ABCB4 is on the minus strand). VCF-style: chr7-87411957-C-T. GRCh37 (hg19) VCF-style: chr7-87041273-C-T.
Other names: c.2860G>A, p.Gly954Ser (NM_018849.3); c.2783+1660G>A (NM_018850.3); c.2860G>A (NM_000443.3, NM_018849.2); short protein forms G954S.
Identifiers: ClinVar variation 2136551 (VCV002136551.33), dbSNP rs779829759, ClinGen allele CA4326917.
Genomic context (GRCh38, chr7:87,411,957, plus strand): 5'-TAACATCTCTGAAGCGCATATGTCCATTCACAATGAGATATGCACCAAATCGAAAACAAC[C>T]GGCATAGGAAAAATACATAAATGCTTGTGAGATACTAAAAGTAATTCCATAGATGTGTGC-3'
Protein context (NP_000434.1, residues 944-964): SQAFMYFSYA[Gly954Ser]CFRFGAYLIV